The following is an entry in ClinVar:

NM_004973.4(JARID2):c.2487G>A (p.Ala829=)

Gene: JARID2 (jumonji and AT-rich interaction domain containing 2; plus strand). Cytogenetic location: 6p22.3.
Variant type: single nucleotide variant.
Coding change: c.2487G>A on transcript NM_004973.4 (MANE Select); coding-DNA position 2487, G replaced by A.
Protein change: p.Ala829=; no amino-acid change (alanine 829 retained).
Molecular consequence: synonymous variant.
Genome position (GRCh38, 1-based): chr6:15,504,538, G>A. VCF-style: chr6-15504538-G-A. GRCh37 (hg19) VCF-style: chr6-15504769-G-A.
Other names: c.1971G>A, p.Ala657= (NM_001267040.1).
Identifiers: ClinVar variation 710248 (VCV000710248.9), dbSNP rs140556836, ClinGen allele CA3643147.
Genomic context (GRCh38, chr6:15,504,538, plus strand): 5'-ACTGTTTTTTGTTTTGTTTCAGGGAAGGTCTGTTTCTCTAACAACTTTTTATCGAACAGC[G>A]AGGAATATCATGAGCATGTGTTTCAGCAAGGAGCCTGCCCCAGCCGAAATCGAGGTGAGA-3'
Protein context (NP_004964.2, residues 819-839): SVSLTTFYRT[Ala829=]RNIMSMCFSK

ClinVar aggregate classification (germline): Benign/Likely benign. Review status: criteria provided, multiple submitters, no conflicts (2 of 4 stars). 2 submissions from 2 submitters: Benign (1); Likely benign (1). Last evaluated 2026-07-01.

Allele frequency attached by ClinVar (database versions not stated): gnomAD exomes 0.00059 and 0.00071; ExAC 0.00076; 1000 Genomes Project 30x 0.00078; 1000 Genomes Project 0.00080; gnomAD 0.00102 and 0.00106; TOPMed 0.00138; ESP Exome Variant Server 0.00146.
gnomAD v4.1: 1,045 of 1,614,050 alleles (0.065%); highest among the groups gnomAD compares: Middle Eastern, 0.31%; 2 homozygotes.

Submissions (2):

CeGaT Center for Human Genetics Tuebingen
Classification: Likely benign. Last evaluated: 2026-07-01. Review status: criteria provided, single submitter. Criteria: CeGaT Center For Human Genetics Tuebingen Variant Classification Criteria Version 2. Collection method: clinical testing. Allele origin: germline. Affected: yes. Observed: 3 variant alleles.
Comment: JARID2: BP4, BP7, BS1

Labcorp Genetics (formerly Invitae), Labcorp
Classification: Benign. Last evaluated: 2018-01-12. Review status: criteria provided, single submitter. Criteria: Invitae Variant Classification Sherloc (09022015). Collection method: clinical testing. Allele origin: germline.